The following is an entry in ClinVar:

ClinVar aggregate classification (germline): Uncertain significance (0 of 4 stars; one submission).

Conditions:
PLXNA4-related disorder. Also called: PLXNA4-related condition.

Submission:

PreventionGenetics, part of Exact Sciences
Classification: Uncertain significance for PLXNA4-related condition. Last evaluated: 2023-12-29. Review status: no assertion criteria provided. Collection method: clinical testing. Allele origin: germline.
Comment: The PLXNA4 c.2485C>T variant is predicted to result in the amino acid substitution p.Pro829Ser. To our knowledge, this variant has not been reported in the literature or in a large population database, indicating this variant is rare. At this time, the clinical significance of this variant is uncertain due to the absence of conclusive functional and genetic evidence.

NM_020911.2(PLXNA4):c.2485C>T (p.Pro829Ser)

Gene: PLXNA4 (plexin A4; minus strand). Cytogenetic location: 7q32.3.
Variant type: single nucleotide variant.
Coding change: c.2485C>T on transcript NM_020911.2 (MANE Select); coding-DNA position 2485, C replaced by T.
Protein change: p.Pro829Ser; replaces proline 829 with serine.
Molecular consequence: missense variant.
Genome position (GRCh38, 1-based): chr7:132,202,747, G>A on the plus strand (C>T on the coding strand, the complement: PLXNA4 is on the minus strand). VCF-style: chr7-132202747-G-A. GRCh37 (hg19) VCF-style: chr7-131887506-G-A.
Other names: c.2485C>T, p.Pro829Ser (NM_001393897.1); short protein forms P829S.
Identifiers: ClinVar variation 3029019 (VCV003029019.2), dbSNP rs2485626558, ClinGen allele CA369306098.
Genomic context (GRCh38, chr7:132,202,747, plus strand): 5'-ACAGCTCCAGCCACTGGCTCTCCTGGGCAGGGCAGTGCTGGCGCAGGGTGCACTGGCCTG[G>A]GCCCTGGCACCAGCCACATGCGAAGTCTGGGTCAGCCTTGAGGCACAGCCCGCAGCTCTC-3'
Protein context (NP_065962.1, residues 819-839): PDFACGWCQG[Pro829Ser]GQCTLRQHCP